The following is an entry in ClinVar:

NM_000501.4(ELN):c.250G>A (p.Ala84Thr)

Gene: ELN (elastin; plus strand). Cytogenetic location: 7q11.23.
Variant type: single nucleotide variant.
Coding change: c.250G>A on transcript NM_000501.4 (MANE Select); coding-DNA position 250, G replaced by A.
Protein change: p.Ala84Thr; replaces alanine 84 with threonine.
Molecular consequence: missense variant.
Genome position (GRCh38, 1-based): chr7:74,042,631, G>A. VCF-style: chr7-74042631-G-A. GRCh37 (hg19) VCF-style: chr7-73456961-G-A.
Other names: c.250G>A (NM_000501.3, NM_000501.2); c.220G>A, p.Ala74Thr (NM_001081752.3, NM_001278914.2, NM_001278917.2 and 1 more transcripts); c.250G>A, p.Ala84Thr (NM_001081753.3, NM_001081754.3, NM_001081755.3 and 4 more transcripts); c.214G>A, p.Ala72Thr (NM_001278913.2); short protein forms A84T, A72T, A74T.
Identifiers: ClinVar variation 2078555 (VCV002078555.7), dbSNP rs369246451, ClinGen allele CA4292409.

ClinVar aggregate classification (germline): Conflicting classifications of pathogenicity. Review status: criteria provided, conflicting classifications (1 of 4 stars). 4 submissions from 4 submitters: Uncertain significance (3); Likely benign (1). Last evaluated 2026-09-21.

Conditions:
ELN-related disorder.
Supravalvar aortic stenosis (SVAS). Also called: Supravalvar aortic stenosis, Eisenberg type. Identifiers: Orphanet 3193, MedGen C0003499, MONDO:0008504, OMIM 185500, HP:0004381.

Allele frequency attached by ClinVar (database versions not stated): ExAC 0.00002.
gnomAD v4.1: 27 of 1,613,312 alleles (0.0017%); highest among the groups gnomAD compares: Non-Finnish European, 0.0022%; no homozygotes.

Submissions (4):

Molecular Diagnostic Laboratory for Inherited Cardiovascular Disease, Montreal Heart Institute
Classification: Likely benign. Last evaluated: 2026-09-21. Review status: criteria provided, single submitter. Criteria: ACMG Guidelines, 2015. Collection method: clinical testing. Allele origin: germline. Affected: no.
Comment: BS1, BP4

PreventionGenetics, part of Exact Sciences
Classification: Uncertain significance for ELN-related condition. Last evaluated: 2026-05-23. Review status: criteria provided, single submitter. Criteria: ACMG Guidelines, 2015. Collection method: clinical testing. Allele origin: germline.
Comment: The ELN c.250G>A variant is predicted to result in the amino acid substitution p.Ala84Thr. To our knowledge, this variant has not been reported in the literature. This variant is reported in 0.0054% of alleles in individuals of East Asian descent in gnomAD. At this time, the clinical significance of this variant is uncertain due to the absence of conclusive functional and genetic evidence.

Labcorp Genetics (formerly Invitae), Labcorp
Classification: Uncertain significance for Supravalvar aortic stenosis. Last evaluated: 2025-08-05. Review status: criteria provided, single submitter. Criteria: Invitae Variant Classification Sherloc (09022015). Collection method: clinical testing. Allele origin: germline.
Comment: This sequence change replaces alanine, which is neutral and non-polar, with threonine, which is neutral and polar, at codon 84 of the ELN protein (p.Ala84Thr). This variant is present in population databases (rs369246451, gnomAD 0.002%). This variant has not been reported in the literature in individuals affected with ELN-related conditions. ClinVar contains an entry for this variant (Variation ID: 2078555). Invitae Evidence Modeling of protein sequence and biophysical properties (such as structural, functional, and spatial information, amino acid conservation, physicochemical variation, residue mobility, and thermodynamic stability) indicates that this missense variant is not expected to disrupt ELN protein function with a negative predictive value of 80%. In summary, the available evidence is currently insufficient to determine the role of this variant in disease. Therefore, it has been classified as a Variant of Uncertain Significance.

GeneDx
Classification: Uncertain significance. Last evaluated: 2024-10-02. Review status: criteria provided, single submitter. Criteria: GeneDx Variant Classification Process June 2021. Collection method: clinical testing. Allele origin: germline. Affected: yes.
Comment: Not observed at significant frequency in large population cohorts (gnomAD); In silico analysis supports that this missense variant has a deleterious effect on protein structure/function; Has not been previously published as pathogenic or benign to our knowledge